The following is an entry in ClinVar:

NM_001384900.1(SEMA3D):c.1985T>C (p.Met662Thr)

Genes: SEMA3D (semaphorin 3D; minus strand), LOC126860094 (BRD4-independent group 4 enhancer GRCh37_chr7:84628763-84629962; plus strand). Cytogenetic location: 7q21.11.
Variant type: single nucleotide variant.
Coding change: c.1985T>C on transcript NM_001384900.1 (MANE Select); coding-DNA position 1985, T replaced by C.
Protein change: p.Met662Thr; replaces methionine 662 with threonine.
Molecular consequence: missense variant.
Genome position (GRCh38, 1-based): chr7:84,999,789, A>G on the plus strand (T>C on the coding strand, the complement: SEMA3D is on the minus strand). VCF-style: chr7-84999789-A-G. GRCh37 (hg19) VCF-style: chr7-84629105-A-G.
Other names: c.1985T>C, p.Met662Thr (NM_001384901.1, NM_001384902.1, NM_001384903.1 and 1 more transcripts); short protein forms M662T.
Identifiers: ClinVar variation 4986765 (VCV004986765.1).

ClinVar aggregate classification (germline): Uncertain significance (1 of 4 stars; one submission).

Conditions:
SEMA3D-related disorder. Also called: SEMA3D-related condition.

gnomAD v4.1: 3 of 1,614,056 alleles (0.00019%); highest among the groups gnomAD compares: Admixed American, 0.0017%; no homozygotes.

Submission:

PreventionGenetics, part of Exact Sciences
Classification: Uncertain significance for SEMA3D-related condition. Last evaluated: 2026-08-13. Review status: criteria provided, single submitter. Criteria: ACMG Guidelines, 2015. Collection method: clinical testing. Allele origin: germline.
Comment: The SEMA3D c.1985T>C variant is predicted to result in the amino acid substitution p.Met662Thr. To our knowledge, this variant has not been reported in the literature. This variant is reported in 0.0029% of alleles in individuals of Latino descent in gnomAD. At this time, the clinical significance of this variant is uncertain due to the absence of conclusive functional and genetic evidence.